The following is an entry in ClinVar:

NM_183357.3(ADCY5):c.2698C>A (p.Pro900Thr)

Gene: ADCY5 (adenylate cyclase 5; minus strand). Cytogenetic location: 3q21.1.
Variant type: single nucleotide variant.
Coding change: c.2698C>A on transcript NM_183357.3 (MANE Select); coding-DNA position 2698, C replaced by A.
Protein change: p.Pro900Thr; replaces proline 900 with threonine.
Molecular consequence: missense variant.
Genome position (GRCh38, 1-based): chr3:123,303,081, G>T on the plus strand (C>A on the coding strand, the complement: ADCY5 is on the minus strand). VCF-style: chr3-123303081-G-T. GRCh37 (hg19) VCF-style: chr3-123021928-G-T.
Other names: c.1648C>A, p.Pro550Thr (NM_001199642.1); c.2698C>A, p.Pro900Thr (NM_001378259.1); short protein forms P550T, P900T.
Identifiers: ClinVar variation 4685427 (VCV004685427.1).

ClinVar aggregate classification (germline): Uncertain significance (1 of 4 stars; one submission).

gnomAD v4.1: 1 of 1,613,734 alleles (0.000062%); highest among the groups gnomAD compares: South Asian, 0.0011%; no homozygotes.

Submission:

GeneDx
Classification: Uncertain significance. Last evaluated: 2025-07-07. Review status: criteria provided, single submitter. Criteria: GeneDx Variant Classification Process June 2021. Collection method: clinical testing. Allele origin: germline. Affected: yes.
Comment: Not observed at significant frequency in large population cohorts (gnomAD); In silico analysis suggests that this missense variant does not alter protein structure/function; Has not been previously published as pathogenic or benign to our knowledge